The following is an entry in ClinVar:

ClinVar aggregate classification (germline): Conflicting classifications of pathogenicity. Review status: criteria provided, conflicting classifications (1 of 4 stars). 2 submissions from 2 submitters: Uncertain significance (1); Likely benign (1). Last evaluated 2025-08-07.

Conditions:
Costello syndrome (CSTLO). Also called: HRAS-Related Costello Syndrome; FCS SYNDROME; FACIOCUTANEOSKELETAL SYNDROME. Identifiers: Orphanet 3071, MedGen C0587248, MONDO:0009026, OMIM 218040.

Allele frequency attached by ClinVar (database versions not stated): gnomAD exomes below 0.00001; TOPMed below 0.00001; gnomAD 0.00001.
gnomAD v4.1: 5 of 1,613,678 alleles (0.00031%); highest among the groups gnomAD compares: African/African-American, 0.0013%; 1 homozygote.

Submissions (2):

Labcorp Genetics (formerly Invitae), Labcorp
Classification: Uncertain significance for Costello syndrome. Last evaluated: 2025-08-07. Review status: criteria provided, single submitter. Criteria: Invitae Variant Classification Sherloc (09022015). Collection method: clinical testing. Allele origin: germline.
Comment: This sequence change replaces lysine, which is basic and polar, with arginine, which is basic and polar, at codon 101 of the HRAS protein (p.Lys101Arg). This variant is present in population databases (no rsID available, gnomAD 0.004%). This variant has not been reported in the literature in individuals affected with HRAS-related conditions. ClinVar contains an entry for this variant (Variation ID: 430506). Invitae Evidence Modeling of protein sequence and biophysical properties (such as structural, functional, and spatial information, amino acid conservation, physicochemical variation, residue mobility, and thermodynamic stability) indicates that this missense variant is not expected to disrupt HRAS protein function with a negative predictive value of 95%. In summary, the available evidence is currently insufficient to determine the role of this variant in disease. Therefore, it has been classified as a Variant of Uncertain Significance.

GeneDx
Classification: Likely benign. Last evaluated: 2021-06-10. Review status: criteria provided, single submitter. Criteria: GeneDx Variant Classification Process June 2021. Collection method: clinical testing. Allele origin: germline. Affected: yes.
Comment: In silico analysis supports that this missense variant does not alter protein structure/function; Missense variants in this gene are often considered pathogenic (Stenson et al., 2014); Has not been previously published as pathogenic or benign to our knowledge

NM_005343.4(HRAS):c.302A>G (p.Lys101Arg)

Genes: HRAS (HRas proto-oncogene, GTPase; minus strand), LRRC56 (leucine rich repeat containing 56; plus strand). Cytogenetic location: 11p15.5.
Variant type: single nucleotide variant.
Coding change: c.302A>G on transcript NM_005343.4 (MANE Select); coding-DNA position 302, A replaced by G.
Protein change: p.Lys101Arg; replaces lysine 101 with arginine.
Molecular consequence: missense variant. On other transcripts: 5 prime UTR variant (1).
Genome position (GRCh38, 1-based): chr11:533,601, T>C on the plus strand (A>G on the coding strand, the complement: HRAS is on the minus strand). VCF-style: chr11-533601-T-C. GRCh37 (hg19) VCF-style: chr11-533601-T-C.
Other names: c.302A>G, p.Lys101Arg (NM_001130442.3, NM_176795.5); c.-18A>G (NM_001318054.2); short protein forms K101R.
Identifiers: ClinVar variation 430506 (VCV000430506.12), dbSNP rs1131691997, ClinGen allele CA378923959.
Genomic context (GRCh38, chr11:533,601, plus strand): 5'-GCCAGGTCACACTTGTTCCCCACCAGCACCATGGGCACGTCATCCGAGTCCTTCACCCGT[T>C]TGATCTGCTCCCTGAGAGGTGGAAAGCGAGAGCTGGCTACGGGGGCTGCAGGCGCAGCGG-3'
Protein context (NP_005334.1, residues 91-111): EDIHQYREQI[Lys101Arg]RVKDSDDVPM